The following is an entry in ClinVar:

NM_000535.7(PMS2):c.862C>T (p.Gln288Ter)

Gene: PMS2 (PMS1 homolog 2, mismatch repair system component; minus strand). Cytogenetic location: 7p22.1.
Variant type: single nucleotide variant.
Coding change: c.862C>T on transcript NM_000535.7 (MANE Select); coding-DNA position 862, C replaced by T.
Protein change: p.Gln288Ter; replaces glutamine 288 with a stop codon.
Molecular consequence: nonsense. On other transcripts: 5 prime UTR variant (2), non-coding transcript variant (1).
Genome position (GRCh38, 1-based): chr7:5,995,575, G>A on the plus strand (C>T on the coding strand, the complement: PMS2 is on the minus strand). VCF-style: chr7-5995575-G-A. GRCh37 (hg19) VCF-style: chr7-6035206-G-A.
Other names: c.457C>T, p.Gln153Ter (NM_001322003.2, NM_001322004.2, NM_001322005.2 and 2 more transcripts); c.862C>T, p.Gln288Ter (NM_001322006.2, NM_001322014.2); c.544C>T, p.Gln182Ter (NM_001322007.2, NM_001322008.2); c.-72C>T (NM_001322011.2, NM_001322012.2); c.289C>T, p.Gln97Ter (NM_001322013.2); c.553C>T, p.Gln185Ter (NM_001322015.2); short protein forms Q288*, Q153*, Q182*, Q97*, Q185*.
Identifiers: ClinVar variation 802297 (VCV000802297.11), dbSNP rs1583363851, ClinGen allele CA366743472.
Genomic context (GRCh38, chr7:5,995,575, plus strand): 5'-ACAAAAAAATTTTAAATACCTTTGCTGGGTCACAAGGCCGCCGGTTGATAAAGAAAAACT[G>A]TCTGTCTGTTGAACTCCTTCCAACTCCATGCGTGCATTGTGAAATGAAACCTGAGATGCT-3'

ClinVar aggregate classification (germline): Pathogenic. Review status: criteria provided, multiple submitters, no conflicts (2 of 4 stars). 5 submissions from 5 submitters: Pathogenic (5). Last evaluated 2023-12-13.

Conditions:
Lynch syndrome 4 (LYNCH4). Also called: Hereditary non-polyposis colorectal cancer, type 4; Colorectal cancer, hereditary nonpolyposis, type 4. Identifiers: Orphanet 144, MedGen C1838333, MONDO:0013699, OMIM 614337. Disease mechanism: loss of function.
Hereditary nonpolyposis colorectal neoplasms. Identifiers: MedGen C0009405, MeSH D003123.
Hereditary cancer-predisposing syndrome. Also called: Tumor predisposition; Neoplastic Syndromes, Hereditary; Hereditary Cancer Syndrome; Hereditary neoplastic syndrome. Identifiers: Orphanet 140162, MedGen C0027672, MeSH D009386, MONDO:0015356.

Allele frequency attached by ClinVar (database versions not stated): gnomAD exomes 0.00001.
gnomAD v4.1: 4 of 1,614,006 alleles (0.00025%); highest among the groups gnomAD compares: Middle Eastern, 0.016%; no homozygotes.

Submissions (5):

Ambry Genetics
Classification: Pathogenic for Hereditary cancer-predisposing syndrome. Last evaluated: 2023-12-13. Review status: criteria provided, single submitter. Criteria: Ambry Variant Classification Scheme 2023. Collection method: clinical testing. Allele origin: germline.
Comment: The p.Q288* pathogenic mutation (also known as c.862C>T), located in coding exon 8 of the PMS2 gene, results from a C to T substitution at nucleotide position 862. This changes the amino acid from a glutamine to a stop codon within coding exon 8. This variant is considered to be rare based on population cohorts in the Genome Aggregation Database (gnomAD). This alteration is expected to result in loss of function by premature protein truncation or nonsense-mediated mRNA decay. As such, this alteration is interpreted as a disease-causing mutation.

Myriad Genetics, Inc.
Classification: Pathogenic for Lynch syndrome 4. Last evaluated: 2023-09-19. Review status: criteria provided, single submitter. Criteria: Myriad Autosomal Dominant, Autosomal Recessive and X-Linked Classification Criteria (2023). Collection method: clinical testing. Allele origin: unknown.
Comment: This variant is considered pathogenic. This variant creates a termination codon and is predicted to result in premature protein truncation.

Color Diagnostics, LLC DBA Color Health
Classification: Pathogenic for Hereditary cancer-predisposing syndrome. Last evaluated: 2023-04-12. Review status: criteria provided, single submitter. Criteria: ACMG Guidelines, 2015. Collection method: clinical testing. Allele origin: germline.
Comment: This variant changes 1 nucleotide in exon 8 of the PMS2 gene, creating a premature translation stop signal. This variant is expected to result in an absent or non-functional protein product. This variant has been observed homozygous in individuals affected with constitutional mismatch repair deficiency (PMID: 30740824, 32642664, 36586540). This variant has not been identified in the general population by the Genome Aggregation Database (gnomAD). Loss of PMS2 function is a known mechanism of disease. Based on the available evidence, this variant is classified as Pathogenic.

Labcorp Genetics (formerly Invitae), Labcorp
Classification: Pathogenic for Hereditary nonpolyposis colorectal neoplasms. Last evaluated: 2022-06-07. Review status: criteria provided, single submitter. Criteria: Invitae Variant Classification Sherloc (09022015). Collection method: clinical testing. Allele origin: germline.
Comment: For these reasons, this variant has been classified as Pathogenic. Algorithms developed to predict the effect of sequence changes on RNA splicing suggest that this variant may disrupt the consensus splice site. ClinVar contains an entry for this variant (Variation ID: 802297). This premature translational stop signal has been observed in individual(s) with constitutional mismatch repair deficiency syndrome (PMID: 30740824). This variant is not present in population databases (gnomAD no frequency). This sequence change creates a premature translational stop signal (p.Gln288*) in the PMS2 gene. It is expected to result in an absent or disrupted protein product. Loss-of-function variants in PMS2 are known to be pathogenic (PMID: 21376568, 24362816).

Mendelics
Classification: Pathogenic for Lynch syndrome 4. Last evaluated: 2019-05-28. Review status: criteria provided, single submitter. Criteria: Mendelics Assertion Criteria 2017. Collection method: clinical testing. Allele origin: unknown.

Literature cited by the submitters: PubMed 30740824 (cited by Color Diagnostics, LLC DBA Color Health and Labcorp Genetics (formerly Invitae), Labcorp); PubMed 32642664 (cited by Color Diagnostics, LLC DBA Color Health); PubMed 36586540 (cited by Color Diagnostics, LLC DBA Color Health); PubMed 21376568 (cited by Labcorp Genetics (formerly Invitae), Labcorp); PubMed 24362816 (cited by Labcorp Genetics (formerly Invitae), Labcorp).